The following is an entry in ClinVar:

ClinVar aggregate classification (germline): Uncertain significance. Review status: criteria provided, multiple submitters, no conflicts (2 of 4 stars). 4 submissions from 4 submitters: Uncertain significance (4). Last evaluated 2024-08-27.

Conditions:
Klippel-Feil anomaly-myopathy-facial dysmorphism syndrome. Also called: Klippel-feil syndrome 4, autosomal recessive, with nemaline myopathy and facial dysmorphism; Klippel-Feil syndrome 4, autosomal recessive, with myopathy and facial dysmorphism. Identifiers: Orphanet 447974, MedGen C4225285, MONDO:0014689, OMIM 616549.
Inborn genetic diseases. Identifiers: MedGen C0950123, MeSH D030342.

Allele frequency attached by ClinVar (database versions not stated): ExAC 0.00013; 1000 Genomes Project 0.00020; 1000 Genomes Project 30x 0.00016; ESP Exome Variant Server 0.00024.
gnomAD v4.1: 183 of 1,613,874 alleles (0.011%); highest among the groups gnomAD compares: Middle Eastern, 0.084%; no homozygotes.

Submissions (4):

Revvity Omics, Revvity
Classification: Uncertain significance for Klippel-Feil anomaly-myopathy-facial dysmorphism syndrome. Last evaluated: 2024-08-27. Review status: criteria provided, single submitter. Criteria: ACMG Guidelines, 2015. Collection method: clinical testing. Allele origin: germline.

Ambry Genetics
Classification: Uncertain significance for Inborn genetic diseases. Last evaluated: 2022-11-04. Review status: criteria provided, single submitter. Criteria: Ambry Variant Classification Scheme 2023. Collection method: clinical testing. Allele origin: germline.

Labcorp Genetics (formerly Invitae), Labcorp
Classification: Uncertain significance. Last evaluated: 2022-06-23. Review status: criteria provided, single submitter. Criteria: Invitae Variant Classification Sherloc (09022015). Collection method: clinical testing. Allele origin: germline.
Comment: This sequence change replaces arginine, which is basic and polar, with tryptophan, which is neutral and slightly polar, at codon 614 of the MYO18B protein (p.Arg614Trp). This variant is present in population databases (rs190314042, gnomAD 0.03%). This variant has not been reported in the literature in individuals affected with MYO18B-related conditions. Algorithms developed to predict the effect of missense changes on protein structure and function output the following: SIFT: "Not Available"; PolyPhen-2: "Benign"; Align-GVGD: "Not Available". The tryptophan amino acid residue is found in multiple mammalian species, which suggests that this missense change does not adversely affect protein function. In summary, the available evidence is currently insufficient to determine the role of this variant in disease. Therefore, it has been classified as a Variant of Uncertain Significance.

Breakthrough Genomics
Classification: Uncertain significance. Review status: criteria provided, single submitter. Criteria: ACMG Guidelines, 2015. Collection method: not provided. Allele origin: germline. Inheritance: Autosomal dominant inheritance. Affected: yes.

NM_032608.7(MYO18B):c.1840C>T (p.Arg614Trp)

Gene: MYO18B (myosin XVIIIB; plus strand). Cytogenetic location: 22q12.1.
Variant type: single nucleotide variant.
Coding change: c.1840C>T on transcript NM_032608.7 (MANE Select); coding-DNA position 1840, C replaced by T.
Protein change: p.Arg614Trp; replaces arginine 614 with tryptophan.
Molecular consequence: missense variant.
Genome position (GRCh38, 1-based): chr22:25,772,481, C>T. VCF-style: chr22-25772481-C-T. GRCh37 (hg19) VCF-style: chr22-26168448-C-T.
Other names: c.1840C>T, p.Arg614Trp (NM_001318245.2); c.1840C>T (NM_032608.5); short protein forms R614W.
Identifiers: ClinVar variation 1517788 (VCV001517788.6), dbSNP rs190314042, ClinGen allele CA10159963.